The following is an entry in ClinVar:

NM_000257.4(MYH7):c.806A>G (p.Glu269Gly)

Gene: MYH7 (myosin heavy chain 7; minus strand). Cytogenetic location: 14q11.2.
Variant type: single nucleotide variant.
Coding change: c.806A>G on transcript NM_000257.4 (MANE Select); coding-DNA position 806, A replaced by G.
Protein change: p.Glu269Gly; replaces glutamic acid 269 with glycine.
Molecular consequence: missense variant.
Genome position (GRCh38, 1-based): chr14:23,430,990, T>C on the plus strand (A>G on the coding strand, the complement: MYH7 is on the minus strand). VCF-style: chr14-23430990-T-C. GRCh37 (hg19) VCF-style: chr14-23900199-T-C.
Other names: c.806A>G, p.Glu269Gly (NM_001407004.1); short protein forms E269G.
Identifiers: ClinVar variation 1761860 (VCV001761860.5), dbSNP rs2502310338, ClinGen allele CA389052005.

ClinVar aggregate classification (germline): Uncertain significance. Review status: criteria provided, multiple submitters, no conflicts (2 of 4 stars). 2 submissions from 2 submitters: Uncertain significance (2). Last evaluated 2023-10-23.

Conditions:
Hypertrophic cardiomyopathy. Also called: HYPERTROPHIC MYOCARDIOPATHY. Identifiers: Orphanet 217569, MedGen C0007194, MeSH D002312, MONDO:0005045, HP:0001639.
Cardiovascular phenotype. Identifiers: MedGen CN230736.

Submissions (2):

Labcorp Genetics (formerly Invitae), Labcorp
Classification: Uncertain significance for Hypertrophic cardiomyopathy. Last evaluated: 2023-10-23. Review status: criteria provided, single submitter. Criteria: Invitae Variant Classification Sherloc (09022015). Collection method: clinical testing. Allele origin: germline.
Comment: This sequence change replaces glutamic acid, which is acidic and polar, with glycine, which is neutral and non-polar, at codon 269 of the MYH7 protein (p.Glu269Gly). This variant is not present in population databases (gnomAD no frequency). This variant has not been reported in the literature in individuals affected with MYH7-related conditions. ClinVar contains an entry for this variant (Variation ID: 1761860). Advanced modeling of protein sequence and biophysical properties (such as structural, functional, and spatial information, amino acid conservation, physicochemical variation, residue mobility, and thermodynamic stability) performed at Invitae indicates that this missense variant is expected to disrupt MYH7 protein function with a positive predictive value of 95%. In summary, the available evidence is currently insufficient to determine the role of this variant in disease. Therefore, it has been classified as a Variant of Uncertain Significance.

Ambry Genetics
Classification: Uncertain significance for Cardiovascular phenotype. Last evaluated: 2019-03-04. Review status: criteria provided, single submitter. Criteria: Ambry Variant Classification Scheme 2023. Collection method: clinical testing. Allele origin: germline.
Comment: The p.E269G variant (also known as c.806A>G), located in coding exon 8 of the MYH7 gene, results from an A to G substitution at nucleotide position 806. The glutamic acid at codon 269 is replaced by glycine, an amino acid with similar properties. This amino acid position is highly conserved in available vertebrate species. In addition, this alteration is predicted to be deleterious by in silico analysis. Since supporting evidence is limited at this time, the clinical significance of this alteration remains unclear.